The following is an entry in ClinVar:

NM_198123.2(CSMD3):c.4419C>T (p.Asp1473=)

Gene: CSMD3 (CUB and Sushi multiple domains 3; minus strand). Cytogenetic location: 8q23.3.
Variant type: single nucleotide variant.
Coding change: c.4419C>T on transcript NM_198123.2 (MANE Select); coding-DNA position 4419, C replaced by T.
Protein change: p.Asp1473=; no amino-acid change (aspartic acid 1473 retained).
Molecular consequence: synonymous variant.
Genome position (GRCh38, 1-based): chr8:112,550,816, G>A on the plus strand (C>T on the coding strand, the complement: CSMD3 is on the minus strand). VCF-style: chr8-112550816-G-A. GRCh37 (hg19) VCF-style: chr8-113563045-G-A.
Other names: c.4029C>T, p.Asp1343= (NM_001363185.1); c.4107C>T, p.Asp1369= (NM_052900.3); c.4299C>T, p.Asp1433= (NM_198124.2).
Identifiers: ClinVar variation 771163 (VCV000771163.6), dbSNP rs150159258, ClinGen allele CA4850154.

ClinVar aggregate classification (germline): Benign. Review status: criteria provided, multiple submitters, no conflicts (2 of 4 stars). 3 submissions from 3 submitters: Benign (2). 1 of the submissions does not count toward it. Last evaluated 2018-05-29.

Conditions:
CSMD3-related disorder. Also called: CSMD3-related condition.

Allele frequency attached by ClinVar (database versions not stated): 1000 Genomes Project 30x 0.00656; 1000 Genomes Project 0.00679; ExAC 0.00729; ESP Exome Variant Server 0.00869; TOPMed 0.00890; gnomAD 0.00911 and 0.00966.
gnomAD v4.1: 11,139 of 1,611,308 alleles (0.69%); highest among the groups gnomAD compares: African/African-American, 1.3%; 55 homozygotes.

Submissions (3):

Labcorp Genetics (formerly Invitae), Labcorp
Classification: Benign. Last evaluated: 2018-05-29. Review status: criteria provided, single submitter. Criteria: Invitae Variant Classification Sherloc (09022015). Collection method: clinical testing. Allele origin: germline.

Breakthrough Genomics
Classification: Benign. Review status: criteria provided, single submitter. Criteria: ACMG Guidelines, 2015. Collection method: not provided. Allele origin: germline. Inheritance: Unknown mechanism. Affected: yes.

PreventionGenetics, part of Exact Sciences
Classification: Likely benign for CSMD3-related condition. Last evaluated: 2019-03-05. Review status: no assertion criteria provided. Collection method: clinical testing. Allele origin: germline. Not counted in ClinVar's aggregate classification.
Comment: This variant is classified as likely benign based on ACMG/AMP sequence variant interpretation guidelines (Richards et al. 2015 PMID: 25741868, with internal and published modifications).